The following is an entry in ClinVar:

ClinVar aggregate classification (germline): Pathogenic (1 of 4 stars; one submission).

Conditions:
Bloom syndrome (BLM). Also called: Bloom-Torre-Machacek syndrome. Identifiers: Orphanet 125, MedGen C0005859, MONDO:0008876, OMIM 210900.

Submission:

Labcorp Genetics (formerly Invitae), Labcorp
Classification: Pathogenic for Bloom syndrome. Last evaluated: 2020-06-21. Review status: criteria provided, single submitter. Criteria: Invitae Variant Classification Sherloc (09022015). Collection method: clinical testing. Allele origin: germline.
Comment: This sequence change creates a premature translational stop signal (p.Gln197*) in the BLM gene. It is expected to result in an absent or disrupted protein product. This variant is not present in population databases (ExAC no frequency). This variant has not been reported in the literature in individuals with BLM-related conditions. Loss-of-function variants in BLM are known to be pathogenic (PMID: 17407155). For these reasons, this variant has been classified as Pathogenic.

Literature cited by the submitters: PubMed 17407155.

NM_000057.4(BLM):c.589C>T (p.Gln197Ter)

Gene: BLM (BLM RecQ like helicase; plus strand). Cytogenetic location: 15q26.1.
Variant type: single nucleotide variant.
Coding change: c.589C>T on transcript NM_000057.4 (MANE Select); coding-DNA position 589, C replaced by T.
Protein change: p.Gln197Ter; replaces glutamine 197 with a stop codon.
Molecular consequence: nonsense. On other transcripts: 5 prime UTR variant (1).
Genome position (GRCh38, 1-based): chr15:90,749,857, C>T. VCF-style: chr15-90749857-C-T. GRCh37 (hg19) VCF-style: chr15-91293087-C-T.
Other names: c.589C>T, p.Gln197Ter (NM_001287246.2, NM_001287247.2); c.-703C>T (NM_001287248.2); short protein forms Q197*.
Identifiers: ClinVar variation 1073712 (VCV001073712.7), dbSNP rs2151147666, ClinGen allele CA393841121.
Genomic context (GRCh38, chr15:90,749,857, plus strand): 5'-TTTGTAAGAGTAAGCACTGCTCAGAAATCAAAAAAGGGTAAGAGAAACTTTTTTAAAGCA[C>T]AGCTTTATACAACAAACACAGTAAAGACTGATTTGCCTCCACCCTCCTCTGAAAGCGAGC-3'